The following is an entry in ClinVar:

ClinVar aggregate classification (germline): Uncertain significance (1 of 4 stars; one submission).

Conditions:
Hereditary cancer-predisposing syndrome. Also called: Neoplastic Syndromes, Hereditary; Tumor predisposition; Hereditary Cancer Syndrome; Hereditary neoplastic syndrome. Identifiers: Orphanet 140162, MedGen C0027672, MeSH D009386, MONDO:0015356.

Submission:

Ambry Genetics
Classification: Uncertain significance for Hereditary cancer-predisposing syndrome. Last evaluated: 2016-03-21. Review status: criteria provided, single submitter. Criteria: Ambry Autosomal Dominant and X-Linked criteria (10/2015). Collection method: clinical testing. Allele origin: germline. Observed: 1 variant allele.
Comment: The p.Q270E variant (also known as c.808C>G), located in coding exon 8 of the NF1 gene, results from a C to G substitution at nucleotide position 808. The glutamine at codon 270 is replaced by glutamic acid, an amino acid with highly similar properties. This variant was not reported in population based cohorts in the following databases: Database of Single Nucleotide Polymorphisms (dbSNP), NHLBI Exome Sequencing Project (ESP), and 1000 Genomes Project. In the ESP, this variant was not observed in 6503 samples (13006 alleles) with coverage at this position. To date, this alteration has been detected with an allele frequency of approximately 0.001% (greater than 110000alleles tested) in our clinical cohort.This amino acid position is highly conserved in available vertebrate species. In addition, this alteration is predicted to be deleterious by in silico analysis. Since supporting evidence is limited at this time, the clinical significance of this alteration remains unclear.

NM_001042492.3(NF1):c.808C>G (p.Gln270Glu)

Gene: NF1 (neurofibromin 1; plus strand). Cytogenetic location: 17q11.2.
Variant type: single nucleotide variant.
Coding change: c.808C>G on transcript NM_001042492.3 (MANE Select); coding-DNA position 808, C replaced by G.
Protein change: p.Gln270Glu; replaces glutamine 270 with glutamic acid.
Molecular consequence: missense variant.
Genome position (GRCh38, 1-based): chr17:31,182,585, C>G. VCF-style: chr17-31182585-C-G. GRCh37 (hg19) VCF-style: chr17-29509603-C-G.
Other names: c.808C>G, p.Gln270Glu (NM_000267.4, NM_001128147.3); short protein forms Q270E.
Identifiers: ClinVar variation 481912 (VCV000481912.3), dbSNP rs1555608970, ClinGen allele CA398990930.
Genomic context (GRCh38, chr17:31,182,585, plus strand): 5'-TTTGACTTGGTGGATGGTTTTGCTGAAAGCACCAAACGTAAAGCAGCAGTTTGGCCACTA[C>G]AAATCATTCTCCTTATCTTGTGTCCAGAAATAATCCAGGATATATCCAAAGACGTGGTTG-3'
Protein context (NP_001035957.1, residues 260-280): TKRKAAVWPL[Gln270Glu]IILLILCPEI